The following is an entry in ClinVar:

NM_001256849.1(POLD1):c.*68T>C

Gene: POLD1 (DNA polymerase delta 1, catalytic subunit; plus strand). Cytogenetic location: 19q13.33.
Variant type: single nucleotide variant.
Coding change: c.*68T>C on transcript NM_001256849.1; 68 bases downstream of the stop codon, T replaced by C.
Molecular consequence: 3 prime UTR variant.
Genome position (GRCh38, 1-based): chr19:50,418,015, T>C. VCF-style: chr19-50418015-T-C. GRCh37 (hg19) VCF-style: chr19-50921272-T-C.
Other names: c.*68T>C (NM_001308632.1).
Identifiers: ClinVar variation 1266936 (VCV001266936.9), dbSNP rs2445837, ClinGen allele CA14728755.

ClinVar aggregate classification (germline): Benign. Review status: criteria provided, multiple submitters, no conflicts (2 of 4 stars). 4 submissions from 4 submitters: Benign (4). Last evaluated 2024-01-24.

Conditions:
Mandibular hypoplasia-deafness-progeroid syndrome. Also called: Mandibular hypoplasia, deafness, progeroid features, and lipodystrophy syndrome. Identifiers: Orphanet 363649, MedGen C3715192, MONDO:0014157, OMIM 615381.

Allele frequency attached by ClinVar (database versions not stated): gnomAD exomes 0.10679; TOPMed 0.25978; 1000 Genomes Project 0.30511; 1000 Genomes Project 30x 0.31137; gnomAD 0.23713 and 0.24150.
gnomAD v4.1: 128,670 of 1,009,510 alleles (13%); highest among the groups gnomAD compares: African/African-American, 61%; 18,117 homozygotes.

Submissions (4):

Unidad de Genómica Garrahan, Hospital de Pediatría Garrahan
Classification: Benign. Last evaluated: 2024-01-24. Review status: criteria provided, single submitter. Criteria: ACMG Guidelines, 2015. Collection method: clinical testing. Allele origin: germline. Affected: no. Observed: 26 variant alleles.
Comment: This variant is classified as Benign based on local population frequency. This variant was detected in 27% of patients studied by a panel of primary immunodeficiencies. Number of patients: 26. Only high quality variants are reported.

Genome-Nilou Lab
Classification: Benign for Mandibular hypoplasia-deafness-progeroid syndrome. Last evaluated: 2021-10-25. Review status: criteria provided, single submitter. Criteria: ACMG Guidelines, 2015. Collection method: clinical testing. Allele origin: germline. Affected: no.

GeneDx
Classification: Benign. Last evaluated: 2018-06-24. Review status: criteria provided, single submitter. Criteria: GeneDx Variant Classification Process June 2021. Collection method: clinical testing. Allele origin: germline. Affected: yes.

Breakthrough Genomics
Classification: Benign. Review status: criteria provided, single submitter. Criteria: ACMG Guidelines, 2015. Collection method: not provided. Allele origin: germline. Inheritance: Autosomal dominant inheritance. Affected: yes.